The following is an entry in ClinVar:

NM_001111125.3(IQSEC2):c.4217C>A (p.Pro1406His)

Gene: IQSEC2 (IQ motif and Sec7 domain ArfGEF 2; minus strand). Cytogenetic location: Xp11.22.
Variant type: single nucleotide variant.
Coding change: c.4217C>A on transcript NM_001111125.3 (MANE Select); coding-DNA position 4217, C replaced by A.
Protein change: p.Pro1406His; replaces proline 1406 with histidine.
Molecular consequence: missense variant. On other transcripts: 3 prime UTR variant (1).
Genome position (GRCh38, 1-based): chrX:53,234,469, G>T on the plus strand (C>A on the coding strand, the complement: IQSEC2 is on the minus strand). VCF-style: chrX-53234469-G-T. GRCh37 (hg19) VCF-style: chrX-53263651-G-T.
Other names: c.*702C>A (NM_015075.2); short protein forms P1406H.
Identifiers: ClinVar variation 575634 (VCV000575634.7), dbSNP rs1569291207, ClinGen allele CA413139067.

ClinVar aggregate classification (germline): Uncertain significance. Review status: criteria provided, multiple submitters, no conflicts (2 of 4 stars). 3 submissions from 3 submitters: Uncertain significance (3). Last evaluated 2021-08-26.

Conditions:
Intellectual developmental disorder, X-linked 1. Also called: MENTAL RETARDATION, X-LINKED 18; MENTAL RETARDATION, X-LINKED 78; Intellectual disability, X-linked 1; Atkin Flaitz Patil Smith syndrome. Identifiers: Orphanet 777, MedGen C2931498, MONDO:0010656, OMIM 309530.
Inborn genetic diseases. Identifiers: MedGen C0950123, MeSH D030342.

Submissions (3):

Labcorp Genetics (formerly Invitae), Labcorp
Classification: Uncertain significance for Intellectual developmental disorder, X-linked 1. Last evaluated: 2021-08-26. Review status: criteria provided, single submitter. Criteria: Invitae Variant Classification Sherloc (09022015). Collection method: clinical testing. Allele origin: germline.

Ambry Genetics
Classification: Uncertain significance for Inborn genetic diseases. Last evaluated: 2019-10-28. Review status: criteria provided, single submitter. Criteria: Ambry Variant Classification Scheme 2023. Collection method: clinical testing. Allele origin: germline.
Comment: The p.P1406H variant (also known as c.4217C>A), located in coding exon 15 of the IQSEC2 gene, results from a C to A substitution at nucleotide position 4217. The proline at codon 1406 is replaced by histidine, an amino acid with similar properties. This amino acid position is well conserved in available vertebrate species; however, histidine is the reference amino acid in other vertebrate species. In addition, this alteration is predicted to be tolerated by in silico analysis. Since supporting evidence is limited at this time, the clinical significance of this alteration remains unclear.

Blueprint Genetics
Classification: Uncertain significance. Last evaluated: 2018-07-30. Review status: criteria provided, single submitter. Criteria: ACMG Guidelines, 2015. Collection method: clinical testing. Allele origin: germline.